The following is an entry in ClinVar:

NM_006371.5(CRTAP):c.261C>A (p.Asn87Lys)

Gene: CRTAP (cartilage associated protein; plus strand). Cytogenetic location: 3p22.3.
Variant type: single nucleotide variant.
Coding change: c.261C>A on transcript NM_006371.5 (MANE Select); coding-DNA position 261, C replaced by A.
Protein change: p.Asn87Lys; replaces asparagine 87 with lysine.
Molecular consequence: missense variant.
Genome position (GRCh38, 1-based): chr3:33,114,338, C>A. VCF-style: chr3-33114338-C-A. GRCh37 (hg19) VCF-style: chr3-33155830-C-A.
Other names: c.261C>A, p.Asn87Lys (NM_001393363.1, NM_001393364.1, NM_001393365.1); short protein forms N87K.
Identifiers: ClinVar variation 2155599 (VCV002155599.2), dbSNP rs1224133201, ClinGen allele CA352008490.

ClinVar aggregate classification (germline): Uncertain significance. Review status: criteria provided, multiple submitters, no conflicts (2 of 4 stars). 2 submissions from 2 submitters: Uncertain significance (2). Last evaluated 2025-09-21.

Conditions:
Inborn genetic diseases. Identifiers: MedGen C0950123, MeSH D030342.
Osteogenesis imperfecta type 7 (OI7). Also called: OSTEOGENESIS IMPERFECTA, TYPE IIB; Osteogenesis imperfecta type 2B; OI type 2B; Osteogenesis imperfecta, perinatal lethal autosomal recessive; OI type IIB; OI type 7. Identifiers: MedGen C1853162, MONDO:0012536, OMIM 610682.

Allele frequency attached by ClinVar (database versions not stated): gnomAD exomes below 0.00001; TOPMed below 0.00001; gnomAD 0.00001.
gnomAD v4.1: 4 of 1,531,934 alleles (0.00026%); highest among the groups gnomAD compares: Non-Finnish European, 0.00035%; no homozygotes.

Submissions (2):

Ambry Genetics
Classification: Uncertain significance for Inborn genetic diseases. Last evaluated: 2025-09-21. Review status: criteria provided, single submitter. Criteria: Ambry Variant Classification Scheme 2023. Collection method: clinical testing. Allele origin: germline.

Labcorp Genetics (formerly Invitae), Labcorp
Classification: Uncertain significance for Osteogenesis imperfecta type 7. Last evaluated: 2022-06-15. Review status: criteria provided, single submitter. Criteria: Invitae Variant Classification Sherloc (09022015). Collection method: clinical testing. Allele origin: germline.
Comment: This sequence change replaces asparagine, which is neutral and polar, with lysine, which is basic and polar, at codon 87 of the CRTAP protein (p.Asn87Lys). This variant is not present in population databases (gnomAD no frequency). This variant has not been reported in the literature in individuals affected with CRTAP-related conditions. Algorithms developed to predict the effect of missense changes on protein structure and function (SIFT, PolyPhen-2, Align-GVGD) all suggest that this variant is likely to be tolerated. In summary, the available evidence is currently insufficient to determine the role of this variant in disease. Therefore, it has been classified as a Variant of Uncertain Significance.